The following is an entry in ClinVar:

ClinVar aggregate classification (germline): Uncertain significance (1 of 4 stars; one submission).

Submission:

GeneDx
Classification: Uncertain significance. Last evaluated: 2020-11-30. Review status: criteria provided, single submitter. Criteria: GeneDx Variant Classification Process June 2021. Collection method: clinical testing. Allele origin: germline. Affected: yes.
Comment: Not observed in large population cohorts (Lek et al., 2016); In silico analysis supports that this missense variant does not alter protein structure/function; Has not been previously published as pathogenic or benign to our knowledge

NM_001377229.1(DISP1):c.326C>T (p.Pro109Leu)

Gene: DISP1 (dispatched RND transporter family member 1; plus strand). Cytogenetic location: 1q41.
Variant type: single nucleotide variant.
Coding change: c.326C>T on transcript NM_001377229.1 (MANE Select); coding-DNA position 326, C replaced by T.
Protein change: p.Pro109Leu; replaces proline 109 with leucine.
Molecular consequence: missense variant. On other transcripts: 5 prime UTR variant (1).
Genome position (GRCh38, 1-based): chr1:222,943,149, C>T. VCF-style: chr1-222943149-C-T. GRCh37 (hg19) VCF-style: chr1-223116491-C-T.
Other names: c.-562C>T (NM_001350630.2); c.326C>T, p.Pro109Leu (NM_001369594.1, NM_001377228.1, NM_032890.5); short protein forms P109L.
Identifiers: ClinVar variation 1313671 (VCV001313671.2), dbSNP rs2125493968, ClinGen allele CA344742606.